The following is an entry in ClinVar:

ClinVar aggregate classification (germline): Uncertain significance (1 of 4 stars; one submission).

Submission:

Labcorp Genetics (formerly Invitae), Labcorp
Classification: Uncertain significance. Last evaluated: 2025-05-26. Review status: criteria provided, single submitter. Criteria: Invitae Variant Classification Sherloc (09022015). Collection method: clinical testing. Allele origin: germline.
Comment: This sequence change replaces methionine, which is neutral and non-polar, with lysine, which is basic and polar, at codon 294 of the ATP6V1B1 protein (p.Met294Lys). This variant is not present in population databases (gnomAD no frequency). This variant has not been reported in the literature in individuals affected with ATP6V1B1-related conditions. Invitae Evidence Modeling of protein sequence and biophysical properties (such as structural, functional, and spatial information, amino acid conservation, physicochemical variation, residue mobility, and thermodynamic stability) indicates that this missense variant is expected to disrupt ATP6V1B1 protein function with a positive predictive value of 95%. In summary, the available evidence is currently insufficient to determine the role of this variant in disease. Therefore, it has been classified as a Variant of Uncertain Significance.

NM_001692.4(ATP6V1B1):c.881T>A (p.Met294Lys)

Gene: ATP6V1B1 (ATPase H+ transporting V1 subunit B1; plus strand). Cytogenetic location: 2p13.3.
Variant type: single nucleotide variant.
Coding change: c.881T>A on transcript NM_001692.4 (MANE Select); coding-DNA position 881, T replaced by A.
Protein change: p.Met294Lys; replaces methionine 294 with lysine.
Molecular consequence: missense variant.
Genome position (GRCh38, 1-based): chr2:70,962,872, T>A. VCF-style: chr2-70962872-T-A. GRCh37 (hg19) VCF-style: chr2-71190002-T-A.
Other names: short protein forms M294K.
Identifiers: ClinVar variation 4746986 (VCV004746986.1).
Genomic context (GRCh38, chr2:70,962,872, plus strand): 5'-CCACTGCTGAATTCCTTGCCTACCAGTGTGAGAAGCATGTGCTGGTCATACTGACGGACA[T>A]GAGTTCCTATGCAGAGGCCTTGCGGGAGGTAAGCTGGCTAGCAAGGGGTGTCAGATTCCT-3'
Protein context (NP_001683.2, residues 284-304): EKHVLVILTD[Met294Lys]SSYAEALREV